The following is an entry in ClinVar:

ClinVar aggregate classification (germline): Pathogenic/Likely pathogenic. Review status: criteria provided, multiple submitters, no conflicts (2 of 4 stars). 4 submissions from 4 submitters: Pathogenic (2); Likely pathogenic (1). 1 of the submissions does not count toward it. Last evaluated 2023-08-29.

Conditions:
Familial X-linked hypophosphatemic vitamin D refractory rickets (XLHRD). Also called: X-Linked Hypophosphatemia; HYPOPHOSPHATEMIC VITAMIN D-RESISTANT RICKETS; Hypophosphatemic Rickets, X-Linked Dominant; Hypophosphatemia, vitamin D-resistant rickets; Vitamin D-resistant rickets, X-linked. Identifiers: Orphanet 89936, MedGen C0733682, MONDO:0010619, OMIM 307800.
Childhood hypophosphatasia. Identifiers: Orphanet 247667, Orphanet 436, MedGen C0220743, MONDO:1010168, OMIM 241510, MONDO:0009428.

Submissions (4):

GeneDx
Classification: Pathogenic. Last evaluated: 2023-08-29. Review status: criteria provided, single submitter. Criteria: GeneDx Variant Classification Process June 2021. Collection method: clinical testing. Allele origin: germline. Affected: yes.
Comment: Nonsense variant predicted to result in protein truncation or nonsense mediated decay in a gene for which loss-of-function is a known mechanism of disease; Not observed in large population cohorts (gnomAD); Has not been previously published as pathogenic or benign to our knowledge; This variant is associated with the following publications: (PMID: 34806794)

Labcorp Genetics (formerly Invitae), Labcorp
Classification: Pathogenic. Last evaluated: 2023-06-09. Review status: criteria provided, single submitter. Criteria: Invitae Variant Classification Sherloc (09022015). Collection method: clinical testing. Allele origin: germline.
Comment: For these reasons, this variant has been classified as Pathogenic. ClinVar contains an entry for this variant (Variation ID: 623205). This variant has not been reported in the literature in individuals affected with PHEX-related conditions. This variant is not present in population databases (gnomAD no frequency). This sequence change creates a premature translational stop signal (p.Tyr625*) in the PHEX gene. It is expected to result in an absent or disrupted protein product. Loss-of-function variants in PHEX are known to be pathogenic (PMID: 9097956, 9106524, 19219621).

Molecular Diagnostics Laboratory, M Health Fairview: University of Minnesota
Classification: Likely pathogenic for Familial X-linked hypophosphatemic vitamin D refractory rickets. Last evaluated: 2017-10-03. Review status: criteria provided, single submitter. Criteria: ACMG Guidelines, 2015. Collection method: clinical testing. Allele origin: germline. Affected: yes. Observed: 1 variant allele.

Department of Pediatric Endocrinology, Shriners Hospitals for Children - Mexico City
No classification provided. Condition: Childhood hypophosphatasia. Review status: no classification provided. Collection method: phenotyping only. Allele origin: germline. Inheritance: X-linked dominant inheritance. Affected: yes. Observed: 1 variant allele. Not counted in ClinVar's aggregate classification.

Literature cited by the submitters: PubMed 9097956 (cited by Labcorp Genetics (formerly Invitae), Labcorp); PubMed 9106524 (cited by Labcorp Genetics (formerly Invitae), Labcorp); PubMed 19219621 (cited by Labcorp Genetics (formerly Invitae), Labcorp).

NM_000444.6(PHEX):c.1875T>G (p.Tyr625Ter)

Genes: PHEX (phosphate regulating endopeptidase X-linked; plus strand), PTCHD1-AS (PTCHD1 and PHEX antisense RNA; minus strand). Cytogenetic location: Xp22.11.
Variant type: single nucleotide variant.
Coding change: c.1875T>G on transcript NM_000444.6 (MANE Select); coding-DNA position 1875, T replaced by G.
Protein change: p.Tyr625Ter; replaces tyrosine 625 with a stop codon.
Molecular consequence: nonsense.
Genome position (GRCh38, 1-based): chrX:22,221,719, T>G. VCF-style: chrX-22221719-T-G. GRCh37 (hg19) VCF-style: chrX-22239836-T-G.
Other names: c.1875T>G, p.Tyr625Ter (NM_001282754.2); short protein forms Y625*.
Identifiers: ClinVar variation 623205 (VCV000623205.11), dbSNP rs1400504292, ClinGen allele CA412573869.